The following is an entry in ClinVar:

ClinVar aggregate classification (germline): Uncertain significance. Review status: criteria provided, multiple submitters, no conflicts (2 of 4 stars). 2 submissions from 2 submitters: Uncertain significance (2). Last evaluated 2025-03-04.

Allele frequency attached by ClinVar (database versions not stated): TOPMed below 0.00001; gnomAD 0.00001; gnomAD exomes 0.00001; ExAC 0.00002.

Submissions (2):

Center for Genomic Medicine, Rigshospitalet, Copenhagen University Hospital
Classification: Uncertain significance. Last evaluated: 2025-03-04. Review status: criteria provided, single submitter. Criteria: ACMG Guidelines, 2015. Collection method: clinical testing. Allele origin: germline.

Ambry Genetics
Classification: Uncertain significance. Last evaluated: 2024-09-06. Review status: criteria provided, single submitter. Criteria: Ambry Variant Classification Scheme 2023. Collection method: clinical testing. Allele origin: germline.
Comment: The p.S1373N variant (also known as c.4118G>A), located in coding exon 11 of the MLH3 gene, results from a G to A substitution at nucleotide position 4118. The serine at codon 1373 is replaced by asparagine, an amino acid with highly similar properties. This amino acid position is conserved. In addition, this alteration is predicted to be tolerated by in silico analysis. Since supporting evidence is limited at this time, the clinical significance of this alteration remains unclear.

NM_001040108.2(MLH3):c.4118G>A (p.Ser1373Asn)

Gene: MLH3 (mutL homolog 3; minus strand). Cytogenetic location: 14q24.3.
Variant type: single nucleotide variant.
Coding change: c.4118G>A on transcript NM_001040108.2 (MANE Select); coding-DNA position 4118, G replaced by A.
Protein change: p.Ser1373Asn; replaces serine 1373 with asparagine.
Molecular consequence: missense variant.
Genome position (GRCh38, 1-based): chr14:75,018,953, C>T on the plus strand (G>A on the coding strand, the complement: MLH3 is on the minus strand). VCF-style: chr14-75018953-C-T. GRCh37 (hg19) VCF-style: chr14-75485656-C-T.
Other names: c.4046G>A, p.Ser1349Asn (NM_014381.3); short protein forms S1349N, S1373N.
Identifiers: ClinVar variation 1737969 (VCV001737969.7), dbSNP rs758748603, ClinGen allele CA7275217.
Genomic context (GRCh38, chr14:75,018,953, plus strand): 5'-CACTGGAATGGCAGCTGGCATGAGGACAGAGCTTCAATAAGGCGGCAACTTTCCTGTAAG[C>T]TCAGGCCATCATTAAACTTAATGGCCCCTAAATGAAAGACAGAAACAAGAAGGTTATAGT-3'
Protein context (NP_001035197.1, residues 1363-1383): HGAIKFNDGL[Ser1373Asn]LQESCRLIEA